The following is an entry in ClinVar:

ClinVar aggregate classification (germline): Uncertain significance (1 of 4 stars; one submission).

Conditions:
Deficiency of malonyl-CoA decarboxylase. Also called: Malonic aciduria; MCD deficiency. Identifiers: Orphanet 943, MedGen C0342793, MONDO:0009556, OMIM 248360.

Allele frequency attached by ClinVar (database versions not stated): gnomAD exomes below 0.00001.
gnomAD v4.1: 1 of 1,572,534 alleles (0.000064%); highest among the groups gnomAD compares: Non-Finnish European, 0.000086%; no homozygotes.

Submission:

Labcorp Genetics (formerly Invitae), Labcorp
Classification: Uncertain significance for Deficiency of malonyl-CoA decarboxylase. Last evaluated: 2022-04-17. Review status: criteria provided, single submitter. Criteria: Invitae Variant Classification Sherloc (09022015). Collection method: clinical testing. Allele origin: germline.
Comment: This variant has not been reported in the literature in individuals affected with MLYCD-related conditions. This variant is not present in population databases (gnomAD no frequency). This sequence change replaces arginine, which is basic and polar, with proline, which is neutral and non-polar, at codon 158 of the MLYCD protein (p.Arg158Pro). Advanced modeling of protein sequence and biophysical properties (such as structural, functional, and spatial information, amino acid conservation, physicochemical variation, residue mobility, and thermodynamic stability) performed at Invitae indicates that this missense variant is expected to disrupt MLYCD protein function. In summary, the available evidence is currently insufficient to determine the role of this variant in disease. Therefore, it has been classified as a Variant of Uncertain Significance.

NM_012213.3(MLYCD):c.473G>C (p.Arg158Pro)

Genes: MLYCD (malonyl-CoA decarboxylase; plus strand), LOC130059555 (ATAC-STARR-seq lymphoblastoid silent region 7770; plus strand). Cytogenetic location: 16q23.3.
Variant type: single nucleotide variant.
Coding change: c.473G>C on transcript NM_012213.3 (MANE Select); coding-DNA position 473, G replaced by C.
Protein change: p.Arg158Pro; replaces arginine 158 with proline.
Molecular consequence: missense variant.
Genome position (GRCh38, 1-based): chr16:83,899,617, G>C. VCF-style: chr16-83899617-G-C. GRCh37 (hg19) VCF-style: chr16-83933222-G-C.
Other names: short protein forms R158P.
Identifiers: ClinVar variation 2127397 (VCV002127397.4), dbSNP rs757640617, ClinGen allele CA396918395.